The following is an entry in ClinVar:

NC_000007.13:g.(?_117120078)_(117176728_117180153)dup

Gene: CFTR (CF transmembrane conductance regulator; plus strand). Cytogenetic location: 7q31.2.
Variant type: Duplication.
Identifiers: ClinVar variation 3233983 (VCV003233983.2).

ClinVar aggregate classification (germline): Uncertain significance (1 of 4 stars; one submission).

Submission:

Women's Health and Genetics/Laboratory Corporation of America, LabCorp
Classification: Uncertain significance. Last evaluated: 2024-03-13. Review status: criteria provided, single submitter. Criteria: LabCorp Variant Classification Summary - May 2015. Collection method: clinical testing. Allele origin: germline.
Comment: Variant summary: The variant involves the duplication of exons 1-7 in the CFTR gene. A presumed nomenclature of c.(?_-71)_(869+1_870-1)dup has been designated for the purposes of this classification. The exact breakpoint at the 5' end of this variant is unknown, therefore this duplication may extend upstream of the annotated region of this gene. It is predicted to duplicate a segment including the initiation codon, therefore its impact on the encoded protein is unknown. The variant was absent in 21694 control chromosomes (gnomAD, structural variants dataset). The available data on variant occurrences in the general population are insufficient to allow any conclusion about variant significance. To our knowledge, no occurrence of c.(?_-71)_(869+1_870-1)dup in individuals affected with Cystic Fibrosis and no experimental evidence demonstrating its impact on protein function have been reported. No submitters have cited clinical-significance assessments for this variant to ClinVar. Based on the evidence outlined above, the variant was classified as uncertain significance.